The following is an entry in ClinVar:

NM_001033855.3(DCLRE1C):c.1670C>T (p.Thr557Ile)

Gene: DCLRE1C (DNA cross-link repair 1C; minus strand). Cytogenetic location: 10p13.
Variant type: single nucleotide variant.
Coding change: c.1670C>T on transcript NM_001033855.3 (MANE Select); coding-DNA position 1670, C replaced by T.
Protein change: p.Thr557Ile; replaces threonine 557 with isoleucine.
Molecular consequence: missense variant. On other transcripts: non-coding transcript variant (4).
Genome position (GRCh38, 1-based): chr10:14,908,817, G>A on the plus strand (C>T on the coding strand, the complement: DCLRE1C is on the minus strand). VCF-style: chr10-14908817-G-A. GRCh37 (hg19) VCF-style: chr10-14950816-G-A.
Other names: c.1310C>T, p.Thr437Ile (NM_001033857.3, NM_001033858.3, NM_001289077.2 and 2 more transcripts); c.1325C>T, p.Thr442Ile (NM_001289076.2, NM_001289078.2, NM_001350966.2 and 1 more transcripts); c.1670C>T, p.Thr557Ile (NM_001350965.2); short protein forms T557I, T437I, T442I.
Identifiers: ClinVar variation 299312 (VCV000299312.11), dbSNP rs750692726, ClinGen allele CA5416435.
Genomic context (GRCh38, chr10:14,908,817, plus strand): 5'-TCAGCTTTGTCCAAGGAAGTAATATCCCCACTGTTTCTCTCTTGGGAAGATAACAAAACA[G>A]TATCAGATTGGCTGTCCCAGCCTTGACTTCCTTGTTCTGTTATGTGTGTTGACTGGGAAG-3'
Protein context (NP_001029027.1, residues 547-567): GSQGWDSQSD[Thr557Ile]VLLSSQERNS

ClinVar aggregate classification (germline): Uncertain significance. Review status: criteria provided, multiple submitters, no conflicts (2 of 4 stars). 3 submissions from 3 submitters: Uncertain significance (2). 1 of the submissions does not count toward it. Last evaluated 2022-03-11.

Conditions:
Histiocytic medullary reticulosis. Also called: SEVERE COMBINED IMMUNODEFICIENCY WITH HYPEREOSINOPHILIA; Omenn syndrome. Identifiers: Orphanet 39041, MedGen C2700553, MONDO:0011338, OMIM 603554.
Athabaskan severe combined immunodeficiency (SCIDA). Also called: Severe combined immunodeficiency, athabascan-type. Identifiers: MedGen C1865370.
Severe combined immunodeficiency due to DCLRE1C deficiency (RS-SCID). Also called: SCID, AUTOSOMAL RECESSIVE, T CELL-NEGATIVE, B CELL-NEGATIVE, NK CELL-POSITIVE, WITH SENSITIVITY TO IONIZING RADIATION. Identifiers: Orphanet 275, MedGen C1865371, MONDO:0011225, OMIM 602450.

Allele frequency attached by ClinVar (database versions not stated): TOPMed 0.00005; gnomAD exomes 0.00006 and 0.00010; ExAC 0.00013; gnomAD 0.00009 and 0.00010.
gnomAD v4.1: 96 of 1,614,092 alleles (0.0059%); highest among the groups gnomAD compares: Non-Finnish European, 0.0046%; no homozygotes.

Submissions (3):

Labcorp Genetics (formerly Invitae), Labcorp
Classification: Uncertain significance for Athabaskan severe combined immunodeficiency. Last evaluated: 2022-03-11. Review status: criteria provided, single submitter. Criteria: Invitae Variant Classification Sherloc (09022015). Collection method: clinical testing. Allele origin: germline.
Comment: This sequence change replaces threonine, which is neutral and polar, with isoleucine, which is neutral and non-polar, at codon 557 of the DCLRE1C protein (p.Thr557Ile). This variant is present in population databases (rs750692726, gnomAD 0.06%). This variant has not been reported in the literature in individuals affected with DCLRE1C-related conditions. ClinVar contains an entry for this variant (Variation ID: 299312). Algorithms developed to predict the effect of missense changes on protein structure and function are either unavailable or do not agree on the potential impact of this missense change (SIFT: "Tolerated"; PolyPhen-2: "Probably Damaging"; Align-GVGD: "Class C0"). In summary, the available evidence is currently insufficient to determine the role of this variant in disease. Therefore, it has been classified as a Variant of Uncertain Significance.

Illumina Laboratory Services, Illumina
Classification: Uncertain significance for Histiocytic medullary reticulosis. Last evaluated: 2018-01-13. Review status: criteria provided, single submitter. Criteria: ICSL Variant Classification Criteria 13 December 2019. Collection method: clinical testing. Allele origin: germline.

Natera, Inc.
Classification: Uncertain significance for Athabascan severe combined immunodeficiency. Last evaluated: 2020-08-25. Review status: no assertion criteria provided. Collection method: clinical testing. Allele origin: germline. Not counted in ClinVar's aggregate classification.